The following is an entry in ClinVar:

NM_001005273.3(CHD3):c.5625G>A (p.Met1875Ile)

Gene: CHD3 (chromodomain helicase DNA binding protein 3; plus strand). Cytogenetic location: 17p13.1.
Variant type: single nucleotide variant.
Coding change: c.5625G>A on transcript NM_001005273.3 (MANE Select); coding-DNA position 5625, G replaced by A.
Protein change: p.Met1875Ile; replaces methionine 1875 with isoleucine.
Molecular consequence: missense variant.
Genome position (GRCh38, 1-based): chr17:7,910,462, G>A. VCF-style: chr17-7910462-G-A. GRCh37 (hg19) VCF-style: chr17-7813780-G-A.
Other names: c.5802G>A, p.Met1934Ile (NM_001005271.3); c.5523G>A, p.Met1841Ile (NM_005852.4); short protein forms M1841I, M1875I, M1934I.
Identifiers: ClinVar variation 4056959 (VCV004056959.1).

ClinVar aggregate classification (germline): Uncertain significance (1 of 4 stars; one submission).

Submission:

GeneDx
Classification: Uncertain significance. Last evaluated: 2025-01-06. Review status: criteria provided, single submitter. Criteria: GeneDx Variant Classification Process June 2021. Collection method: clinical testing. Allele origin: germline. Affected: yes.
Comment: Not observed at significant frequency in large population cohorts (gnomAD); In silico analysis supports that this missense variant has a deleterious effect on protein structure/function; Has not been previously published as pathogenic or benign to our knowledge